The following is an entry in ClinVar:

NM_078470.6(COX15):c.670G>A (p.Ala224Thr)

Gene: COX15 (cytochrome c oxidase assembly factor COX15; minus strand). Cytogenetic location: 10q24.2.
Variant type: single nucleotide variant.
Coding change: c.670G>A on transcript NM_078470.6 (MANE Select); coding-DNA position 670, G replaced by A.
Protein change: p.Ala224Thr; replaces alanine 224 with threonine.
Molecular consequence: missense variant. On other transcripts: non-coding transcript variant (1).
Genome position (GRCh38, 1-based): chr10:99,724,036, C>T on the plus strand (G>A on the coding strand, the complement: COX15 is on the minus strand). VCF-style: chr10-99724036-C-T. GRCh37 (hg19) VCF-style: chr10-101483793-C-T.
Other names: c.670G>A, p.Ala224Thr (NM_001320974.2, NM_001320975.2, NM_001372024.1 and 5 more transcripts); c.133G>A, p.Ala45Thr (NM_001320976.2); short protein forms A224T, A45T.
Identifiers: ClinVar variation 2124290 (VCV002124290.4), dbSNP rs753531215, ClinGen allele CA5642209.

ClinVar aggregate classification (germline): Uncertain significance (1 of 4 stars; one submission).

Allele frequency attached by ClinVar (database versions not stated): gnomAD exomes below 0.00001; ExAC 0.00001; gnomAD 0.00001.
gnomAD v4.1: 2 of 1,614,128 alleles (0.00012%); highest among the groups gnomAD compares: Admixed American, 0.0033%; no homozygotes.

Submission:

Labcorp Genetics (formerly Invitae), Labcorp
Classification: Uncertain significance. Last evaluated: 2022-06-12. Review status: criteria provided, single submitter. Criteria: Invitae Variant Classification Sherloc (09022015). Collection method: clinical testing. Allele origin: germline.
Comment: In summary, the available evidence is currently insufficient to determine the role of this variant in disease. Therefore, it has been classified as a Variant of Uncertain Significance. This sequence change replaces alanine, which is neutral and non-polar, with threonine, which is neutral and polar, at codon 224 of the COX15 protein (p.Ala224Thr). This variant is present in population databases (rs753531215, gnomAD 0.003%). This variant has not been reported in the literature in individuals affected with COX15-related conditions. Algorithms developed to predict the effect of missense changes on protein structure and function are either unavailable or do not agree on the potential impact of this missense change (SIFT: "Not Available"; PolyPhen-2: "Possibly Damaging"; Align-GVGD: "Not Available").